The following is an entry in ClinVar:

NM_001369.3(DNAH5):c.12128_12129insTGTCTCTTATACACATCTG (p.Pro4044fs)

Gene: DNAH5 (dynein axonemal heavy chain 5; minus strand). Cytogenetic location: 5p15.2.
Variant type: Insertion.
Coding change: c.12128_12129insTGTCTCTTATACACATCTG on transcript NM_001369.3 (MANE Select); coding-DNA positions 12128 to 12129, TGTCTCTTATACACATCTG inserted.
Protein change: p.Pro4044fs; shifts the reading frame from proline 4044.
Molecular consequence: frameshift variant.
Genome position: GRCh38 VCF-style: chr5-13721150-C-CCAGATGTGTATAAGAGACA. GRCh37 (hg19) VCF-style: chr5-13721259-C-CCAGATGTGTATAAGAGACA.
Other names: short protein forms P4044fs.
Identifiers: ClinVar variation 5011029 (VCV005011029.1).
Genomic context (GRCh38, chr5:13,721,150, plus strand): 5'-CCCCAAGGCAATGATGGAATCTGTGGGGTCTGAGCCCATAGACAGGAGACAGATGAGTGG[C>CCAGATGTGTATAAGAGACA]GTCCGTGGATCAGATTCCTCCCACGTCTTCTCCAAGTCTAAAATAACACCTTCGGCATAT-3'

ClinVar aggregate classification (germline): Pathogenic (1 of 4 stars; one submission).

Conditions:
Primary ciliary dyskinesia 3. Identifiers: Orphanet 244, MedGen C1837618, MONDO:0012085, OMIM 608644.

Submission:

Myriad Genetics, Inc.
Classification: Pathogenic for Primary ciliary dyskinesia 3. Last evaluated: 2024-05-14. Review status: criteria provided, single submitter. Criteria: Myriad Autosomal Dominant, Autosomal Recessive and X-Linked Classification Criteria (2023). Collection method: clinical testing. Allele origin: unknown.
Comment: NM_001369.2(DNAH5):c.12128_12129ins19(P4044Vfs*70) is expected to be pathogenic in the context of primary ciliary dyskinesia, DNAH5-related. This variant is predicted to lead to an abnormal or absent protein product due to the creation of a premature termination codon in DNAH5, a gene where loss-of-function variants are known to be pathogenic. Please note: this variant was assessed in the context of healthy population screening.